The following is an entry in ClinVar:

NM_020461.4(TUBGCP6):c.2083C>T (p.Arg695Trp)

Gene: TUBGCP6 (tubulin gamma complex component 6; minus strand). Cytogenetic location: 22q13.33.
Variant type: single nucleotide variant.
Coding change: c.2083C>T on transcript NM_020461.4 (MANE Select); coding-DNA position 2083, C replaced by T.
Protein change: p.Arg695Trp; replaces arginine 695 with tryptophan.
Molecular consequence: missense variant.
Genome position (GRCh38, 1-based): chr22:50,224,403, G>A on the plus strand (C>T on the coding strand, the complement: TUBGCP6 is on the minus strand). VCF-style: chr22-50224403-G-A. GRCh37 (hg19) VCF-style: chr22-50662832-G-A.
Other names: c.2083C>T (NM_020461.3); short protein forms R695W.
Identifiers: ClinVar variation 1037799 (VCV001037799.9), dbSNP rs771442117, ClinGen allele CA325464016.

ClinVar aggregate classification (germline): Uncertain significance. Review status: criteria provided, multiple submitters, no conflicts (2 of 4 stars). 2 submissions from 2 submitters: Uncertain significance (2). Last evaluated 2023-06-06.

Conditions:
Inborn genetic diseases. Identifiers: MedGen C0950123, MeSH D030342.

Allele frequency attached by ClinVar (database versions not stated): gnomAD exomes 0.00002; TOPMed 0.00001; gnomAD 0.00001.
gnomAD v4.1: 37 of 1,614,026 alleles (0.0023%); highest among the groups gnomAD compares: Non-Finnish European, 0.0027%; no homozygotes.

Submissions (2):

Ambry Genetics
Classification: Uncertain significance for Inborn genetic diseases. Last evaluated: 2023-06-06. Review status: criteria provided, single submitter. Criteria: Ambry Variant Classification Scheme 2023. Collection method: clinical testing. Allele origin: germline.

Labcorp Genetics (formerly Invitae), Labcorp
Classification: Uncertain significance. Last evaluated: 2022-12-06. Review status: criteria provided, single submitter. Criteria: Invitae Variant Classification Sherloc (09022015). Collection method: clinical testing. Allele origin: germline.
Comment: This sequence change replaces arginine, which is basic and polar, with tryptophan, which is neutral and slightly polar, at codon 695 of the TUBGCP6 protein (p.Arg695Trp). This variant is present in population databases (rs771442117, gnomAD 0.003%). This variant has not been reported in the literature in individuals affected with TUBGCP6-related conditions. ClinVar contains an entry for this variant (Variation ID: 1037799). Algorithms developed to predict the effect of missense changes on protein structure and function are either unavailable or do not agree on the potential impact of this missense change (SIFT: "Deleterious"; PolyPhen-2: "Possibly Damaging"; Align-GVGD: "Class C0"). In summary, the available evidence is currently insufficient to determine the role of this variant in disease. Therefore, it has been classified as a Variant of Uncertain Significance.